The following is an entry in ClinVar:

ClinVar aggregate classification (germline): Pathogenic (1 of 4 stars; one submission).

Conditions:
Congenital microcephaly - severe encephalopathy - progressive cerebral atrophy syndrome. Also called: ASNS DEFICIENCY; Asparagine synthetase deficiency. Identifiers: Orphanet 391376, MedGen C3809971, MONDO:0014258, OMIM 615574.

Submission:

Myriad Genetics, Inc.
Classification: Pathogenic for Congenital microcephaly - severe encephalopathy - progressive cerebral atrophy syndrome. Last evaluated: 2024-10-16. Review status: criteria provided, single submitter. Criteria: Myriad Autosomal Dominant, Autosomal Recessive and X-Linked Classification Criteria (2023). Collection method: clinical testing. Allele origin: unknown.
Comment: NM_001673.4(ASNS):c.843T>A(Y281*) is expected to be pathogenic in the context of asparagine synthetase deficiency. This variant is predicted to lead to an abnormal or absent protein product due to the creation of a premature termination codon in ASNS, a gene where loss-of-function variants are known to be pathogenic. Please note: this variant was assessed in the context of healthy population screening.

NM_001673.5(ASNS):c.843T>A (p.Tyr281Ter)

Genes: ASNS (asparagine synthetase (glutamine-hydrolyzing); minus strand), CZ1P-ASNS (CZ1P-ASNS readthrough; minus strand). Cytogenetic location: 7q21.3.
Variant type: single nucleotide variant.
Coding change: c.843T>A on transcript NM_001673.5 (MANE Select); coding-DNA position 843, T replaced by A.
Protein change: p.Tyr281Ter; replaces tyrosine 281 with a stop codon.
Molecular consequence: nonsense. On other transcripts: non-coding transcript variant (1).
Genome position (GRCh38, 1-based): chr7:97,858,338, A>T on the plus strand (T>A on the coding strand, the complement: ASNS is on the minus strand). VCF-style: chr7-97858338-A-T. GRCh37 (hg19) VCF-style: chr7-97487650-A-T.
Other names: c.780T>A, p.Tyr260Ter (NM_001178075.2); c.594T>A, p.Tyr198Ter (NM_001178076.2, NM_001178077.1); c.843T>A, p.Tyr281Ter (NM_001352496.2, NM_133436.3, NM_183356.4); short protein forms Y198*, Y260*, Y281*.
Identifiers: ClinVar variation 5013644 (VCV005013644.1).